The following is an entry in ClinVar:

ClinVar aggregate classification (germline): Uncertain significance (1 of 4 stars; one submission).

Conditions:
Retinitis pigmentosa (RP). Identifiers: Orphanet 791, MedGen C0035334, MeSH D012174, MONDO:0019200, OMIM 268000. Inheritance: Autosomal dominant, autosomal recessive and X linked inheritance.

Submission:

DBGen Ocular Genomics
Classification: Uncertain significance for Retinitis pigmentosa. Last evaluated: 2023-01-01. Review status: criteria provided, single submitter. Criteria: ACMG Guidelines, 2015. Collection method: clinical testing. Allele origin: unknown. Inheritance: Autosomal dominant inheritance. Affected: yes.
Comment: Class 3 ACMG Guidelines, 2015

NM_001844.5(COL2A1):c.2162T>C (p.Leu721Pro)

Gene: COL2A1 (collagen type II alpha 1 chain; minus strand). Cytogenetic location: 12q13.11.
Variant type: single nucleotide variant.
Coding change: c.2162T>C on transcript NM_001844.5 (MANE Select); coding-DNA position 2162, T replaced by C.
Protein change: p.Leu721Pro; replaces leucine 721 with proline.
Molecular consequence: missense variant.
Genome position (GRCh38, 1-based): chr12:47,982,879, A>G on the plus strand (T>C on the coding strand, the complement: COL2A1 is on the minus strand). VCF-style: chr12-47982879-A-G. GRCh37 (hg19) VCF-style: chr12-48376662-A-G.
Other names: c.1955T>C, p.Leu652Pro (NM_033150.3); short protein forms L652P, L721P.
Identifiers: ClinVar variation 2628052 (VCV002628052.2), dbSNP rs2540135850, ClinGen allele CA384546953.
Genomic context (GRCh38, chr12:47,982,879, plus strand): 5'-AGACCCCTACAGGATGCAGCCTCACTTACTTTGGGACCATCAGTGCCAGGAGTGCCGGGG[A>G]GGCCACGGGGACCCTGGAGGCCCTGGGCACCGGGAGAGCCACGTTCACCTGGGAAACCTC-3'
Protein context (NP_001835.3, residues 711-731): GAQGLQGPRG[Leu721Pro]PGTPGTDGPK